The following is an entry in ClinVar:

ClinVar aggregate classification (germline): Uncertain significance (1 of 4 stars; one submission).

Submission:

Labcorp Genetics (formerly Invitae), Labcorp
Classification: Uncertain significance. Last evaluated: 2021-09-01. Review status: criteria provided, single submitter. Criteria: Invitae Variant Classification Sherloc (09022015). Collection method: clinical testing. Allele origin: germline.
Comment: This sequence change replaces isoleucine with leucine at codon 1688 of the TUBGCP6 protein (p.Ile1688Leu). The isoleucine residue is moderately conserved and there is a small physicochemical difference between isoleucine and leucine. This variant is not present in population databases (ExAC no frequency). This variant has not been reported in the literature in individuals affected with TUBGCP6-related conditions. Algorithms developed to predict the effect of missense changes on protein structure and function are either unavailable or do not agree on the potential impact of this missense change (SIFT: "Tolerated"; PolyPhen-2: "Probably Damaging"; Align-GVGD: "Class C0"). In summary, the available evidence is currently insufficient to determine the role of this variant in disease. Therefore, it has been classified as a Variant of Uncertain Significance.

NM_020461.4(TUBGCP6):c.5062A>C (p.Ile1688Leu)

Gene: TUBGCP6 (tubulin gamma complex component 6; minus strand). Cytogenetic location: 22q13.33.
Variant type: single nucleotide variant.
Coding change: c.5062A>C on transcript NM_020461.4 (MANE Select); coding-DNA position 5062, A replaced by C.
Protein change: p.Ile1688Leu; replaces isoleucine 1688 with leucine.
Molecular consequence: missense variant.
Genome position (GRCh38, 1-based): chr22:50,218,295, T>G on the plus strand (A>C on the coding strand, the complement: TUBGCP6 is on the minus strand). VCF-style: chr22-50218295-T-G. GRCh37 (hg19) VCF-style: chr22-50656724-T-G.
Other names: short protein forms I1688L.
Identifiers: ClinVar variation 1923046 (VCV001923046.2), dbSNP rs2519120897, ClinGen allele CA412164356.
Genomic context (GRCh38, chr22:50,218,295, plus strand): 5'-CCTCCAGGTCGCCCACGGTGGCCAACCTGGCCCTGAACTCGCACCAGGTGACGTGCAGGA[T>G]CTGGTTGGCGATGTAGCCCTGGATGACCTTCACGAAATGCTGCATCTCGTGCTTGAACAG-3'
Protein context (NP_065194.3, residues 1678-1698): KVIQGYIANQ[Ile1688Leu]LHVTWCEFRA